The following is an entry in ClinVar:

NM_000179.3(MSH6):c.4002-4T>C

Gene: MSH6 (mutS homolog 6; plus strand). Cytogenetic location: 2p16.3.
Variant type: single nucleotide variant.
Coding change: c.4002-4T>C on transcript NM_000179.3 (MANE Select); 4 bases into the intron before coding-DNA position 4002, T replaced by C.
Molecular consequence: intron variant.
Genome position (GRCh38, 1-based): chr2:47,806,775, T>C. VCF-style: chr2-47806775-T-C. GRCh37 (hg19) VCF-style: chr2-48033914-T-C.
Other names: c.3096-4T>C (NM_001281493.2, NM_001281494.2); c.3612-4T>C (NM_001281492.2).
Identifiers: ClinVar variation 184807 (VCV000184807.30), dbSNP rs370428032, ClinGen allele CA015278.
Genomic context (GRCh38, chr2:47,806,775, plus strand): 5'-GGGGAAGGGATGATGCACTATGAAAAAACAAAAAAACTTTTTTTTTTTTTTTTTTAATTT[T>C]AAGGGAAGTTTGCCTGGCTAGTGAAAGGTCAACTGTAGATGCTGAAGCTGTCCATAAATT-3'

ClinVar aggregate classification (germline): Conflicting classifications of pathogenicity. Review status: criteria provided, conflicting classifications (1 of 4 stars). 12 submissions from 12 submitters: Uncertain significance (3); Likely benign (7). 2 of the submissions do not count toward it. Last evaluated 2025-12-30.

Conditions:
Hereditary nonpolyposis colorectal neoplasms. Identifiers: MedGen C0009405, MeSH D003123.
MSH6-related disorder. Also called: MSH6-related condition; MSH6-Related disorders.
Hereditary cancer-predisposing syndrome. Also called: Tumor predisposition; Neoplastic Syndromes, Hereditary; Hereditary neoplastic syndrome; Hereditary Cancer Syndrome. Identifiers: Orphanet 140162, MedGen C0027672, MeSH D009386, MONDO:0015356.
Lynch syndrome. Identifiers: Orphanet 144, MedGen C4552100, MONDO:0005835. Disease mechanism: loss of function.
Lynch syndrome 5 (LYNCH5). Also called: Colorectal cancer, hereditary nonpolyposis, type 5; Hereditary non-polyposis colorectal cancer, type 5. Identifiers: Orphanet 144, MedGen C1833477, MONDO:0013710, OMIM 614350. Disease mechanism: loss of function.

Allele frequency attached by ClinVar (database versions not stated): ExAC 0.00001; gnomAD 0.00001 and 0.00002; gnomAD exomes 0.00002; ESP Exome Variant Server 0.00008.
gnomAD v4.1: 32 of 1,597,904 alleles (0.002%); highest among the groups gnomAD compares: South Asian, 0.018%; no homozygotes.

Submissions (12):

Labcorp Genetics (formerly Invitae), Labcorp
Classification: Likely benign for Hereditary nonpolyposis colorectal neoplasms. Last evaluated: 2025-12-30. Review status: criteria provided, single submitter. Criteria: Invitae Variant Classification Sherloc (09022015). Collection method: clinical testing. Allele origin: germline.

Blueprint Genetics
Classification: Likely benign. Last evaluated: 2023-06-02. Review status: criteria provided, single submitter. Criteria: ACMG Guidelines, 2015. Collection method: clinical testing. Allele origin: germline.

Myriad Genetics, Inc.
Classification: Likely benign for Lynch syndrome 5. Last evaluated: 2023-03-28. Review status: criteria provided, single submitter. Criteria: Myriad Autosomal Dominant, Autosomal Recessive and X-Linked Classification Criteria (2023). Collection method: clinical testing. Allele origin: unknown.
Comment: This variant is considered likely benign. This variant is intronic and is not expected to impact mRNA splicing.

Department of Pathology and Laboratory Medicine, Sinai Health System
Classification: Likely benign for Lynch syndrome. Last evaluated: 2022-07-26. Review status: criteria provided, single submitter. Criteria: ACMG Guidelines, 2015. Collection method: clinical testing. Allele origin: germline. Affected: yes.

Sema4
Classification: Uncertain significance for Hereditary cancer-predisposing syndrome. Last evaluated: 2021-12-10. Review status: criteria provided, single submitter. Criteria: Sema4 Curation Guidelines. Collection method: curation. Allele origin: germline.
Comment: The MSH6 c.4002-4T>C variant has been reported in heterozygosity in at least one individual undergoing multigene hereditary cancer testing (PMID: 31159747). It was observed in 4/29102 chromosomes in the South Asian subpopulation in the large and broad cohorts of the Genome Aggregation Database (PMID: 32461654). The variant has been reported in ClinVar (Variation ID: 184807). In silico tools developed to predict the effect of sequence changes on RNA splicing do not suggest a negative effect on normal splicing, though these predictions have not been confirmed by functional studies. The evidence is insufficient to meet ACMG/AMP criteria for classifying the variant as benign or pathogenic. Thus, the clinical significance of this variant is currently uncertain.

Ambry Genetics
Classification: Likely benign for Hereditary cancer-predisposing syndrome. Last evaluated: 2019-12-30. Review status: criteria provided, single submitter. Criteria: Ambry Variant Classification Scheme 2023. Collection method: clinical testing. Allele origin: germline.

GeneKor MSA
Classification: Uncertain significance for Hereditary cancer-predisposing syndrome. Last evaluated: 2018-08-01. Review status: criteria provided, single submitter. Criteria: ACMG Guidelines, 2015. Collection method: clinical testing. Allele origin: germline. Affected: yes.

Mendelics
Classification: Uncertain significance for Lynch syndrome. Last evaluated: 2018-07-02. Review status: criteria provided, single submitter. Criteria: Mendelics Assertion Criteria 2017. Collection method: clinical testing. Allele origin: unknown.

GeneDx
Classification: Likely benign. Last evaluated: 2018-06-15. Review status: criteria provided, single submitter. Criteria: GeneDx Variant Classification Process June 2021. Collection method: clinical testing. Allele origin: germline. Affected: yes.
Comment: This variant is associated with the following publications: (PMID: 31159747)

Color Diagnostics, LLC DBA Color Health
Classification: Likely benign for Hereditary cancer-predisposing syndrome. Last evaluated: 2017-05-07. Review status: criteria provided, single submitter. Criteria: ACMG Guidelines, 2015. Collection method: clinical testing. Allele origin: germline.

PreventionGenetics, part of Exact Sciences
Classification: Likely benign for MSH6-related condition. Last evaluated: 2021-01-08. Review status: no assertion criteria provided. Collection method: clinical testing. Allele origin: germline. Not counted in ClinVar's aggregate classification.
Comment: This variant is classified as likely benign based on ACMG/AMP sequence variant interpretation guidelines (Richards et al. 2015 PMID: 25741868, with internal and published modifications).

Counsyl
Classification: Uncertain significance for Lynch syndrome 5. Last evaluated: 2016-07-15. Review status: no assertion criteria provided. Collection method: clinical testing. Allele origin: unknown. Not counted in ClinVar's aggregate classification.

Literature cited by the submitters: PubMed 31159747 (cited by 3 submitters).